The following is an entry in ClinVar:

ClinVar aggregate classification (germline): Uncertain significance (1 of 4 stars; one submission).

Submission:

GeneDx
Classification: Uncertain significance. Last evaluated: 2023-02-28. Review status: criteria provided, single submitter. Criteria: GeneDx Variant Classification Process June 2021. Collection method: clinical testing. Allele origin: germline. Affected: yes.
Comment: Not observed at significant frequency in large population cohorts (gnomAD); In silico analysis supports that this missense variant has a deleterious effect on protein structure/function; Has not been previously published as pathogenic or benign to our knowledge

NM_000141.5(FGFR2):c.67C>G (p.Pro23Ala)

Gene: FGFR2 (fibroblast growth factor receptor 2; minus strand). Cytogenetic location: 10q26.13.
Variant type: single nucleotide variant.
Coding change: c.67C>G on transcript NM_000141.5 (MANE Select); coding-DNA position 67, C replaced by G.
Protein change: p.Pro23Ala; replaces proline 23 with alanine.
Molecular consequence: missense variant. On other transcripts: non-coding transcript variant (1).
Genome position (GRCh38, 1-based): chr10:121,593,751, G>C on the plus strand (C>G on the coding strand, the complement: FGFR2 is on the minus strand). VCF-style: chr10-121593751-G-C. GRCh37 (hg19) VCF-style: chr10-123353265-G-C.
Other names: c.67C>G, p.Pro23Ala (NM_001144913.1, NM_001144914.1, NM_001144915.2 and 7 more transcripts); short protein forms P23A.
Identifiers: ClinVar variation 2578144 (VCV002578144.1), dbSNP rs1309596973, ClinGen allele CA378327983.
Genomic context (GRCh38, chr10:121,593,751, plus strand): 5'-TGAAATTAAATGACTTACCTTCTGGCTCTAATGTGGTATCCTCAACTAAACTGAAGGAGG[G>C]CCGGGCCAGGGACAAGGTTGCCATGGTGACCACGACCAGGCAGATGAAACGACCCCAGCT-3'
Protein context (NP_000132.3, residues 13-33): VTMATLSLAR[Pro23Ala]SFSLVEDTTL